The following is an entry in ClinVar:

NM_000492.4(CFTR):c.3364A>G (p.Thr1122Ala)

Genes: CFTR (CF transmembrane conductance regulator; plus strand), CFTR-AS2 (CFTR antisense RNA 2; minus strand), LOC111674472 (DNase I hypersensitive sites in introns 16 and 17a of CFTR; plus strand). Cytogenetic location: 7q31.2.
Variant type: single nucleotide variant.
Coding change: c.3364A>G on transcript NM_000492.4 (MANE Select); coding-DNA position 3364, A replaced by G.
Protein change: p.Thr1122Ala; replaces threonine 1122 with alanine.
Molecular consequence: missense variant.
Genome position (GRCh38, 1-based): chr7:117,611,805, A>G. VCF-style: chr7-117611805-A-G. GRCh37 (hg19) VCF-style: chr7-117251859-A-G.
Other names: short protein forms T1122A.
Identifiers: ClinVar variation 651554 (VCV000651554.11), dbSNP rs1584822533, ClinGen allele CA368992630.

ClinVar aggregate classification (germline): Uncertain significance. Review status: criteria provided, multiple submitters, no conflicts (2 of 4 stars). 3 submissions from 3 submitters: Uncertain significance (2). 1 of the submissions does not count toward it. Last evaluated 2021-10-13.

Conditions:
Cystic fibrosis (CF). Also called: MUCOVISCIDOSIS. Identifiers: Orphanet 586, MedGen C0010674, MONDO:0009061, OMIM 219700. Disease mechanism: loss of function.
CFTR-related disorder (CFTR-RD). Also called: CFTR-related condition; CFTR-related disorders. Identifiers: MedGen C5924204, MONDO:7770004.

Allele frequency attached by ClinVar (database versions not stated): gnomAD exomes below 0.00001.
gnomAD v4.1: 1 of 1,604,272 alleles (0.000062%); highest among the groups gnomAD compares: East Asian, 0.0022%; no homozygotes.

Submissions (3):

Ambry Genetics
Classification: Uncertain significance for Cystic fibrosis. Last evaluated: 2021-10-13. Review status: criteria provided, single submitter. Criteria: Ambry Variant Classification Scheme 2023. Collection method: clinical testing. Allele origin: germline.
Comment: The p.T1122A variant (also known as c.3364A>G), located in coding exon 20 of the CFTR gene, results from an A to G substitution at nucleotide position 3364. The threonine at codon 1122 is replaced by alanine, an amino acid with similar properties. This amino acid position is conserved. In addition, this alteration is predicted to be deleterious by in silico analysis. Since supporting evidence is limited at this time, the clinical significance of this alteration remains unclear.

Labcorp Genetics (formerly Invitae), Labcorp
Classification: Uncertain significance for Cystic fibrosis. Last evaluated: 2018-11-05. Review status: criteria provided, single submitter. Criteria: Invitae Variant Classification Sherloc (09022015). Collection method: clinical testing. Allele origin: germline.
Comment: In summary, the available evidence is currently insufficient to determine the role of this variant in disease. Therefore, it has been classified as a Variant of Uncertain Significance. Algorithms developed to predict the effect of sequence changes on RNA splicing suggest that this variant may create or strengthen a splice site, but this prediction has not been confirmed by published transcriptional studies. Algorithms developed to predict the effect of missense changes on protein structure and function (SIFT, PolyPhen-2, Align-GVGD) all suggest that this variant is likely to be tolerated, but these predictions have not been confirmed by published functional studies and their clinical significance is uncertain. This variant has not been reported in the literature in individuals with CFTR-related disease. This variant is not present in population databases (ExAC no frequency). This sequence change replaces threonine with alanine at codon 1122 of the CFTR protein (p.Thr1122Ala). The threonine residue is moderately conserved and there is a small physicochemical difference between threonine and alanine.

Natera, Inc.
Classification: Uncertain significance for CFTR-related disorders. Last evaluated: 2020-07-20. Review status: no assertion criteria provided. Collection method: clinical testing. Allele origin: germline. Not counted in ClinVar's aggregate classification.